The following is an entry in ClinVar:

ClinVar aggregate classification (germline): Likely benign (1 of 4 stars; one submission).

Conditions:
Arrhythmogenic cardiomyopathy with wooly hair and keratoderma. Also called: PALMOPLANTAR KERATODERMA WITH LEFT VENTRICULAR CARDIOMYOPATHY AND WOOLLY HAIR; Carvajal syndrome; Dilated cardiomyopathy with woolly hair and keratoderma; Arrhythmogenic cardiomyopathy with woolly hair and keratoderma. Identifiers: Orphanet 65282, MedGen C1854063, MONDO:0011581, OMIM 605676.

Submission:

All of Us Research Program, National Institutes of Health
Classification: Likely benign for Arrhythmogenic cardiomyopathy with wooly hair and keratoderma. Last evaluated: 2023-04-28. Review status: criteria provided, single submitter. Criteria: ACMG Guidelines, 2015. Collection method: clinical testing. Allele origin: germline. Inheritance: Autosomal dominant inheritance. Observed: 1 variant allele, 1 heterozygote.
Comment: This study involves interpretation of variants in research participants for the purpose of population health screening. Participant phenotype was not available at the time of variant classification. Additional details can be found in publication PMID: 35346344, PMCID: PMC8962531

NM_004415.4(DSP):c.2739A>G (p.Glu913=)

Gene: DSP (desmoplakin; plus strand). Cytogenetic location: 6p24.3.
Variant type: single nucleotide variant.
Coding change: c.2739A>G on transcript NM_004415.4 (MANE Select); coding-DNA position 2739, A replaced by G.
Protein change: p.Glu913=; no amino-acid change (glutamic acid 913 retained).
Molecular consequence: synonymous variant.
Genome position (GRCh38, 1-based): chr6:7,576,402, A>G. VCF-style: chr6-7576402-A-G. GRCh37 (hg19) VCF-style: chr6-7576635-A-G.
Other names: c.2739A>G, p.Glu913= (NM_001008844.3, NM_001319034.2).
Identifiers: ClinVar variation 3070561 (VCV003070561.1), dbSNP rs1759241811, ClinGen allele CA448528986.